The following is an entry in ClinVar:

NM_005120.3(MED12):c.5898dup (p.Ser1967fs)

Gene: MED12 (mediator complex subunit 12; plus strand). Cytogenetic location: Xq13.1.
Variant type: Duplication.
Coding change: c.5898dup on transcript NM_005120.3 (MANE Select); coding-DNA position 5898, one base duplicated (C; older notation c.5898dupC).
Protein change: p.Ser1967fs; shifts the reading frame from serine 1967.
Molecular consequence: frameshift variant.
Genome position (GRCh38, 1-based): chrX:71,137,797, C duplicated; the last of 6 consecutive C bases (chrX:71,137,792-71,137,797); duplicating any one gives the same sequence. VCF-style (leftmost placement, unchanged base first): chrX-71137791-G-GC. GRCh37 (hg19) VCF-style: chrX-70357641-G-GC.
Other names: NM_005120.3(MED12):c.5898dup; p.Ser1967fs; c.5898dupC (NM_005120.3); short protein forms S1967fs.
Identifiers: ClinVar variation 252964 (VCV000252964.5), dbSNP rs879255527, ClinGen allele CA10586140.

ClinVar aggregate classification (germline): Pathogenic/Likely pathogenic. Review status: criteria provided, multiple submitters, no conflicts (2 of 4 stars). 3 submissions from 3 submitters: Pathogenic (1); Likely pathogenic (1). 1 of the submissions does not count toward it. Last evaluated 2023-05-02.

Conditions:
MED12-related intellectual disability syndrome. Identifiers: MedGen CN305246, MONDO:0100000.
FG syndrome 1 (OKS). Also called: FG Syndrome Type 1 (FGS1); OPITZ-KAVEGGIA SYNDROME; KELLER SYNDROME; MENTAL RETARDATION, LARGE HEAD, IMPERFORATE ANUS, CONGENITAL HYPOTONIA, AND PARTIAL AGENESIS OF CORPUS CALLOSUM. Identifiers: Orphanet 93932, MedGen C5399762, MONDO:0010590, OMIM 305450.

Submissions (3):

Broad Center for Mendelian Genomics, Broad Institute of MIT and Harvard
Classification: Pathogenic for MED12-related intellectual disability syndrome. Last evaluated: 2023-05-02. Review status: criteria provided, single submitter. Criteria: ACMG Guidelines, 2015. Collection method: curation. Allele origin: germline. Inheritance: X-linked inheritance.
Comment: The hemizygous p.Ser1967GlnfsTer84 variant in MED12 was identified by our study in two affected members of one family with intellectual disability. The p.Ser1967GlnfsTer84 variant in MED12 has been previously reported in 11 affected members of one family with MED12-related disorder and segregated with disease in this family (PMID: 24039113). This variant has also been reported in ClinVar (Variation ID: 252964) and has been interpreted as likely pathogenic by GeneDx. This variant was absent from large population studies. RT-PCR analysis performed on affected tissue showed that while this variant does not result in nonsense mediated decay, it yields two alternative transcripts: one with a frameshift and the other with an in-frame 75 base pair deletion due to activation of 2 cryptic splice sites in exon 41 (PMID: 24039113). This variant is predicted to cause a frameshift, which alters the protein‚Äôs amino acid sequence beginning at position 1967 and leads to a premature termination codon 84 amino acids downstream. This alteration is then predicted to lead to a truncated or absent protein. Loss of function of the MED12 gene is an established disease mechanism in MED12-related disorders. In summary, this variant meets criteria to be classified as pathogenic for MED12-related disorders. ACMG/AMP Criteria applied: PVS1_Strong, PS3_Moderate, PM2_Supporting, PP1_Strong (Richards 2015).

GeneDx
Classification: Likely pathogenic. Last evaluated: 2018-11-05. Review status: criteria provided, single submitter. Criteria: GeneDx Variant Classification (06012015). Collection method: clinical testing. Allele origin: germline. Affected: yes.
Comment: The c.5898dupC variant in the MED12 gene has been reported previously in a family with intellectual disability and dysmorphic features and it is associated with mild to severe symptoms in both males and females (Lesca et al., 2013). The duplication causes a frameshift starting with codon Serine 1967, changes this amino acid to a Glutamine residue and creates a premature Stop codon at position 84 of the new reading frame, denoted p.Ser1967GlnfsX84. This variant is predicted to cause loss of normal protein function either through protein truncation or nonsense-mediated mRNA decay. However, RNA expression studies show that the mutated allele was not degraded by nonsense-mediated RNA decay and induced an additional abnormal isoform due to activation of cryptic splice sites (Lesca et al., 2013). The c.5898dupC variant is not observed in large population cohorts (Lek et al., 2016). Therefore, this variant is likely pathogenic; however, the possibility that it is benign cannot be excluded.

GeneReviews
No classification provided. Condition: FG syndrome. Review status: no classification provided. Collection method: literature only. Allele origin: germline. Not counted in ClinVar's aggregate classification.
Comment: Reported in males and females with nonspecific intellectual disability

Literature cited by the submitters: PubMed 24039113 (cited by Broad Center for Mendelian Genomics, Broad Institute of MIT and Harvard and GeneReviews); PubMed 20301719 (cited by GeneReviews).